The following is an entry in ClinVar:

NM_017909.4(RMND1):c.735del (p.Lys245fs)

Gene: RMND1 (required for meiotic nuclear division 1 homolog; minus strand). Cytogenetic location: 6q25.1.
Variant type: Deletion.
Coding change: c.735del on transcript NM_017909.4 (MANE Select); coding-DNA position 735, one base deleted (G; older notation c.735delG).
Protein change: p.Lys245fs; shifts the reading frame from lysine 245.
Molecular consequence: frameshift variant.
Genome position (GRCh38, 1-based): chr6:151,427,577, C deleted on the plus strand (G on the coding strand, the reverse complement: RMND1 is on the minus strand). VCF-style (leftmost placement, unchanged base first): chr6-151427576-GC-G. GRCh37 (hg19) VCF-style: chr6-151748711-GC-G.
Other names: c.225del, p.Lys75fs (NM_001271937.2); short protein forms K245fs, K75fs.
Identifiers: ClinVar variation 2032705 (VCV002032705.4), dbSNP rs2485915480, ClinGen allele CA2580075199.

ClinVar aggregate classification (germline): Pathogenic (1 of 4 stars; one submission).

Submission:

Labcorp Genetics (formerly Invitae), Labcorp
Classification: Pathogenic. Last evaluated: 2024-10-24. Review status: criteria provided, single submitter. Criteria: Invitae Variant Classification Sherloc (09022015). Collection method: clinical testing. Allele origin: germline.
Comment: This sequence change creates a premature translational stop signal (p.Lys245Asnfs*3) in the RMND1 gene. It is expected to result in an absent or disrupted protein product. Loss-of-function variants in RMND1 are known to be pathogenic (PMID: 27412952). This variant is not present in population databases (gnomAD no frequency). This variant has not been reported in the literature in individuals affected with RMND1-related conditions. ClinVar contains an entry for this variant (Variation ID: 2032705). For these reasons, this variant has been classified as Pathogenic.

Literature cited by the submitters: PubMed 27412952.